The following is an entry in ClinVar:

ClinVar aggregate classification (germline): Uncertain significance. Review status: criteria provided, multiple submitters, no conflicts (2 of 4 stars). 5 submissions from 5 submitters: Uncertain significance (3). 2 of the submissions do not count toward it. Last evaluated 2024-05-03.

Conditions:
Glycogen storage disease, type II (IOPD). Also called: Glucosidase acid-1,4-alpha deficiency; Pompe Disease; POMPE DISEASE, INFANTILE-ONSET; GLYCOGEN STORAGE DISEASE II, INFANTILE-ONSET; ACID ALPHA-GLUCOSIDASE DEFICIENCY, INFANTILE-ONSET; GAA DEFICIENCY, INFANTILE-ONSET. Identifiers: Orphanet 365, MedGen C0017921, MONDO:0009290, OMIM 232300.

Allele frequency attached by ClinVar (database versions not stated): gnomAD 0.00002 and 0.00003; TOPMed 0.00003.

Submissions (5):

GeneDx
Classification: Uncertain significance. Last evaluated: 2024-05-03. Review status: criteria provided, single submitter. Criteria: GeneDx Variant Classification Process June 2021. Collection method: clinical testing. Allele origin: germline. Affected: yes.
Comment: Not observed at significant frequency in large population cohorts (gnomAD); In silico analysis supports that this missense variant has a deleterious effect on protein structure/function; Has not been previously published as pathogenic or benign to our knowledge; This variant is associated with the following publications: (PMID: 19343043, 22253258)

Labcorp Genetics (formerly Invitae), Labcorp
Classification: Uncertain significance for Glycogen storage disease, type II. Last evaluated: 2022-03-23. Review status: criteria provided, single submitter. Criteria: Invitae Variant Classification Sherloc (09022015). Collection method: clinical testing. Allele origin: germline.
Comment: This sequence change replaces glutamic acid, which is acidic and polar, with valine, which is neutral and non-polar, at codon 866 of the GAA protein (p.Glu866Val). This variant is present in population databases (no rsID available, gnomAD 0.002%). This variant has not been reported in the literature in individuals affected with GAA-related conditions. ClinVar contains an entry for this variant (Variation ID: 456410). Advanced modeling of protein sequence and biophysical properties (such as structural, functional, and spatial information, amino acid conservation, physicochemical variation, residue mobility, and thermodynamic stability) performed at Invitae indicates that this missense variant is not expected to disrupt GAA protein function. Algorithms developed to predict the effect of sequence changes on RNA splicing suggest that this variant may create or strengthen a splice site. In summary, the available evidence is currently insufficient to determine the role of this variant in disease. Therefore, it has been classified as a Variant of Uncertain Significance.

Fulgent Genetics
Classification: Uncertain significance for Glycogen storage disease, type II. Last evaluated: 2021-07-23. Review status: criteria provided, single submitter. Criteria: ACMG Guidelines, 2015. Collection method: clinical testing. Allele origin: unknown.

Natera, Inc.
Classification: Uncertain significance for Glycogen storage disease type II. Last evaluated: 2019-10-28. Review status: no assertion criteria provided. Collection method: clinical testing. Allele origin: germline. Not counted in ClinVar's aggregate classification.

Department of Pathology and Laboratory Medicine, Sinai Health System
Classification: Uncertain significance. Review status: no assertion criteria provided. Collection method: clinical testing. Allele origin: unknown. Affected: yes. Study: The Canadian Open Genetics Repository (COGR). Not counted in ClinVar's aggregate classification.
Comment: The GAA p.Glu866Val variant was not identified in the literature nor was it identified in LOVD 3.0. The variant was identified in dbSNP (ID: rs951742543) and ClinVar (classified as uncertain significance by Invitae for glycogen storgae disease type II). The variant was identified in control databases in 2 of 234558 chromosomes at a frequency of 0.000008527 (Genome Aggregation Database March 6, 2019, v2.1.1). The variant was observed in the European (non-Finnish) population in 2 of 106148 chromosomes (freq: 0.000019), but was not observed in the African, Latino, Ashkenazi Jewish, East Asian, European (Finnish), Other, or South Asian populations. The p.Glu866 residue is not conserved in mammals and four out of five computational analyses (PolyPhen-2, SIFT, AlignGVGD, BLOSUM, MutationTaster) do not suggest a high likelihood of impact to the protein; however, this information is not predictive enough to rule out pathogenicity. The variant occurs outside of the splicing consensus sequence and three of four in silico or computational prediction software programs (SpliceSiteFinder, MaxEntScan, NNSPLICE, GeneSplicer) do not predict a greater than 10% difference in splicing; this is not very predictive of pathogenicity. In summary, based on the above information the clinical significance of this variant cannot be determined with certainty at this time. This variant is classified as a variant of uncertain significance.

NM_000152.5(GAA):c.2597A>T (p.Glu866Val)

Gene: GAA (alpha glucosidase; plus strand). Cytogenetic location: 17q25.3.
Variant type: single nucleotide variant.
Coding change: c.2597A>T on transcript NM_000152.5 (MANE Select); coding-DNA position 2597, A replaced by T.
Protein change: p.Glu866Val; replaces glutamic acid 866 with valine.
Molecular consequence: missense variant.
Genome position (GRCh38, 1-based): chr17:80,118,308, A>T. VCF-style: chr17-80118308-A-T. GRCh37 (hg19) VCF-style: chr17-78092107-A-T.
Other names: c.2597A>T (LRG_673t1); c.2597A>T, p.Glu866Val (NM_001079803.3, NM_001079804.3); short protein forms E866V.
Identifiers: ClinVar variation 456410 (VCV000456410.13), dbSNP rs951742543, ClinGen allele CA294858052.